The following is an entry in ClinVar:

ClinVar aggregate classification (germline): Pathogenic (1 of 4 stars; one submission).

Submission:

Labcorp Genetics (formerly Invitae), Labcorp
Classification: Pathogenic. Last evaluated: 2024-01-22. Review status: criteria provided, single submitter. Criteria: Invitae Variant Classification Sherloc (09022015). Collection method: clinical testing. Allele origin: germline.
Comment: This variant occurs in a non-coding region of the GJB2 gene and encompasses exon(s) 1-2 and part of exon 3 (c.-301125_444del) of the GJB6 gene. It does not change the encoded amino acid sequence of the GJB2 protein. A similar copy number variant encompassing part of GJB6 in addition to upstream sequence containing regulatory elements that impact GJB2 expression, commonly known as ‚àÜGJB6-D13S1830, has been observed homozygous or in trans with a pathogenic variant in the adjacent GJB2 gene in individual(s) with non-syndromic deafness (PMID: 11807148, 14759569, 32067424, 31586237). It has also been observed to segregate with disease in related individuals. Deletions overlapping the GJB6 gene and upstream regulatory regions have been shown to impact expression of the GJB2 allele (PMID: 19723508, 17227867). For these reasons, this variant has been classified as Pathogenic for GJB2-related conditions, either in homozygosity or in trans with another pathogenic variant in GJB2.

Literature cited by the submitters: PubMed 11807148; PubMed 14759569; PubMed 32067424; PubMed 31586237; PubMed 19723508; PubMed 17227867.

NC_000013.10:g.(?_20797176)_(21105944_?)del

Genes: CRYL1 (crystallin lambda 1; minus strand), GJB2 (gap junction protein beta 2; minus strand), GJB6 (gap junction protein beta 6; minus strand). Cytogenetic location: 13q12.11.
Variant type: Deletion.
Identifiers: ClinVar variation 2424811 (VCV002424811.3).